The following is an entry in ClinVar:

NM_003392.7(WNT5A):c.620C>G (p.Ala207Gly)

Gene: WNT5A (Wnt family member 5A; minus strand). Cytogenetic location: 3p14.3.
Variant type: single nucleotide variant.
Coding change: c.620C>G on transcript NM_003392.7 (MANE Select); coding-DNA position 620, C replaced by G.
Protein change: p.Ala207Gly; replaces alanine 207 with glycine.
Molecular consequence: missense variant.
Genome position (GRCh38, 1-based): chr3:55,474,401, G>C on the plus strand (C>G on the coding strand, the complement: WNT5A is on the minus strand). VCF-style: chr3-55474401-G-C. GRCh37 (hg19) VCF-style: chr3-55508429-G-C.
Other names: c.575C>G, p.Ala192Gly (NM_001256105.1, NM_001377271.1, NM_001377272.1); short protein forms A192G, A207G.
Identifiers: ClinVar variation 4714897 (VCV004714897.1).
Genomic context (GRCh38, chr3:55,474,401, plus strand): 5'-CGGCCGGCCTCGTTGTTGTGCAGGTTCATGAGGATGCGAGCACTCTCGTAGGAGCCCTTG[G>C]CGTGGATGCGCTCCCGCTCGCGGGCGTCCACGAACTCCTTGGCAAAGCGGTAGCCATAGT-3'
Protein context (NP_003383.4, residues 197-217): VDARERERIH[Ala207Gly]KGSYESARIL

ClinVar aggregate classification (germline): Uncertain significance (1 of 4 stars; one submission).

gnomAD v4.1: 1 of 1,612,604 alleles (0.000062%); no homozygotes.

Submission:

Labcorp Genetics (formerly Invitae), Labcorp
Classification: Uncertain significance. Last evaluated: 2025-03-11. Review status: criteria provided, single submitter. Criteria: Invitae Variant Classification Sherloc (09022015). Collection method: clinical testing. Allele origin: germline.
Comment: This sequence change replaces alanine, which is neutral and non-polar, with glycine, which is neutral and non-polar, at codon 207 of the WNT5A protein (p.Ala207Gly). This variant is not present in population databases (gnomAD no frequency). This variant has not been reported in the literature in individuals affected with WNT5A-related conditions. An algorithm developed to predict the effect of missense changes on protein structure and function (PolyPhen-2) suggests that this variant is likely to be tolerated. In summary, the available evidence is currently insufficient to determine the role of this variant in disease. Therefore, it has been classified as a Variant of Uncertain Significance.